The following is an entry in ClinVar:

NM_001081550.2(THOC2):c.4697A>G (p.Glu1566Gly)

Gene: THOC2 (THO complex subunit 2; minus strand). Cytogenetic location: Xq25.
Variant type: single nucleotide variant.
Coding change: c.4697A>G on transcript NM_001081550.2 (MANE Select); coding-DNA position 4697, A replaced by G.
Protein change: p.Glu1566Gly; replaces glutamic acid 1566 with glycine.
Molecular consequence: missense variant.
Genome position (GRCh38, 1-based): chrX:123,611,497, T>C on the plus strand (A>G on the coding strand, the complement: THOC2 is on the minus strand). VCF-style: chrX-123611497-T-C. GRCh37 (hg19) VCF-style: chrX-122745348-T-C.
Other names: short protein forms E1566G.
Identifiers: ClinVar variation 2661347 (VCV002661347.24), dbSNP rs2520689062, ClinGen allele CA414259687.

ClinVar aggregate classification (germline): Uncertain significance (1 of 4 stars; one submission).

Submission:

CeGaT Center for Human Genetics Tuebingen
Classification: Uncertain significance. Last evaluated: 2023-03-01. Review status: criteria provided, single submitter. Criteria: CeGaT Center For Human Genetics Tuebingen Variant Classification Criteria Version 2. Collection method: clinical testing. Allele origin: germline. Affected: yes. Observed: 1 variant allele.
Comment: THOC2: PM2, PP2